The following is an entry in ClinVar:

NM_024312.5(GNPTAB):c.24_28del (p.Arg8fs)

Gene: GNPTAB (N-acetylglucosamine-1-phosphate transferase subunits alpha and beta; minus strand). Cytogenetic location: 12q23.2.
Variant type: Deletion.
Coding change: c.24_28del on transcript NM_024312.5 (MANE Select); coding-DNA positions 24 to 28, 5 bases deleted (ACAGA; older notation c.24_28delACAGA).
Protein change: p.Arg8fs; shifts the reading frame from arginine 8.
Molecular consequence: frameshift variant.
Genome position (GRCh38, 1-based): chr12:101,830,648-101,830,652, TCTGT deleted on the plus strand (ACAGA on the coding strand, the reverse complement: GNPTAB is on the minus strand). VCF-style (leftmost placement, unchanged base first): chr12-101830647-GTCTGT-G. GRCh37 (hg19) VCF-style: chr12-102224425-GTCTGT-G.
Other names: short protein forms R8fs.
Identifiers: ClinVar variation 1724416 (VCV001724416.3), dbSNP rs2547989619, ClinGen allele CA2580085641.
Genomic context (GRCh38, chr12:101,830,647, plus strand): 5'-GTGACAACGACGCCCAAGAAGCACACGTAGAGCCCATACCTGTGGGACAGGCAGGTATAG[GTCTGT>G]CTCTGCAGGAGCTTGAACAGCATCACCCCTTCACCGCCACGCCACGCCCCGAGGAGCCTG-3'

ClinVar aggregate classification (germline): Likely pathogenic (1 of 4 stars; one submission).

Conditions:
GNPTAB-mucolipidosis. Also called: UDP-N-acetylglucosamine-1-phosphotransferase subunit alpha/beta deficiency. Identifiers: MedGen CN322573, MONDO:0100122.

Submission:

Myriad Genetics, Inc.
Classification: Likely pathogenic for GNPTAB-mucolipidosis. Last evaluated: 2022-02-14. Review status: criteria provided, single submitter. Criteria: Myriad Autosomal Dominant, Autosomal Recessive and X-Linked Classification Criteria (2023). Collection method: clinical testing. Allele origin: unknown.
Comment: NM_024312.4(GNPTAB):c.24_28del5(R8Sfs*45) is expected to be pathogenic in the context of GNPTAB-related disorders. This variant is predicted to lead to an abnormal or absent protein product due to the creation of a premature termination codon in GNPTAB, a gene where loss-of-function variants are known to be pathogenic. Please note: this variant was assessed in the context of healthy population screening.